The following is an entry in ClinVar:

ClinVar aggregate classification (germline): Uncertain significance (1 of 4 stars; one submission).

Conditions:
Baller-Gerold syndrome (BGS). Also called: CRANIOSYNOSTOSIS WITH RADIAL DEFECTS. Identifiers: Orphanet 1225, MedGen C0265308, MONDO:0009039, OMIM 218600.

Allele frequency attached by ClinVar (database versions not stated): ExAC 0.00003; gnomAD 0.00001; TOPMed 0.00001; gnomAD exomes 0.00002.
gnomAD v4.1: 26 of 1,610,864 alleles (0.0016%); highest among the groups gnomAD compares: Non-Finnish European, 0.0019%; no homozygotes.

Submission:

Labcorp Genetics (formerly Invitae), Labcorp
Classification: Uncertain significance for Baller-Gerold syndrome. Last evaluated: 2024-09-22. Review status: criteria provided, single submitter. Criteria: Invitae Variant Classification Sherloc (09022015). Collection method: clinical testing. Allele origin: germline.
Comment: This sequence change replaces glutamic acid, which is acidic and polar, with lysine, which is basic and polar, at codon 278 of the RECQL4 protein (p.Glu278Lys). This variant is present in population databases (rs749625708, gnomAD 0.003%). This variant has not been reported in the literature in individuals affected with RECQL4-related conditions. ClinVar contains an entry for this variant (Variation ID: 528922). Invitae Evidence Modeling of protein sequence and biophysical properties (such as structural, functional, and spatial information, amino acid conservation, physicochemical variation, residue mobility, and thermodynamic stability) indicates that this missense variant is not expected to disrupt RECQL4 protein function with a negative predictive value of 80%. In summary, the available evidence is currently insufficient to determine the role of this variant in disease. Therefore, it has been classified as a Variant of Uncertain Significance.

NM_004260.4(RECQL4):c.832G>A (p.Glu278Lys)

Gene: RECQL4 (RecQ like helicase 4; minus strand). Cytogenetic location: 8q24.3.
Variant type: single nucleotide variant.
Coding change: c.832G>A on transcript NM_004260.4 (MANE Select); coding-DNA position 832, G replaced by A.
Protein change: p.Glu278Lys; replaces glutamic acid 278 with lysine.
Molecular consequence: missense variant.
Genome position (GRCh38, 1-based): chr8:144,516,287, C>T on the plus strand (G>A on the coding strand, the complement: RECQL4 is on the minus strand). VCF-style: chr8-144516287-C-T. GRCh37 (hg19) VCF-style: chr8-145741671-C-T.
Other names: short protein forms E278K.
Identifiers: ClinVar variation 528922 (VCV000528922.7), dbSNP rs749625708, ClinGen allele CA4949168.
Genomic context (GRCh38, chr8:144,516,287, plus strand): 5'-GGTCTTCCTCAACTGCTACAGCCCCAGCCCCCTCCGATGGGGGTCCAGCTTGGCTGCTCT[C>T]CTGCTGGACCTGTGCGGGGCTCTCCCAGGGCTCCTCGTTCCATCTCCGCTTCTCGCCTCC-3'
Protein context (NP_004251.4, residues 268-288): PWESPAQVQQ[Glu278Lys]SSQAGPPSEG